The following is an entry in ClinVar:

ClinVar aggregate classification (germline): Uncertain significance (1 of 4 stars; one submission).

Conditions:
6-Pyruvoyl-tetrahydrobiopterin synthase deficiency. Also called: PTS-Related Tetrahydrobiopterin Deficiency; BH4-deficient hyperphenylalaninemia A; PTS DEFICIENCY; 6-Pyruvoyltetrahydropterin Synthase Deficiency; HYPERPHENYLALANINEMIA, TETRAHYDROBIOPTERIN-DEFICIENT, DUE TO PTS DEFICIENCY; Hyperphenylalanemia, BH4-deficient, A. Identifiers: Orphanet 13, Orphanet 238583, MedGen C0878676, MONDO:0009863, OMIM 261640.

Submission:

Labcorp Genetics (formerly Invitae), Labcorp
Classification: Uncertain significance for 6-Pyruvoyl-tetrahydrobiopterin synthase deficiency. Last evaluated: 2020-12-17. Review status: criteria provided, single submitter. Criteria: Invitae Variant Classification Sherloc (09022015). Collection method: clinical testing. Allele origin: germline.
Comment: In summary, the available evidence is currently insufficient to determine the role of this variant in disease. Therefore, it has been classified as a Variant of Uncertain Significance. Algorithms developed to predict the effect of missense changes on protein structure and function (SIFT, PolyPhen-2, Align-GVGD) all suggest that this variant is likely to be disruptive, but these predictions have not been confirmed by published functional studies and their clinical significance is uncertain. This variant has been observed in individual(s) with clinical features of PTS-related disorders (Invitae). This variant is not present in population databases (ExAC no frequency). This sequence change replaces tyrosine with serine at codon 53 of the PTS protein (p.Tyr53Ser). The tyrosine residue is highly conserved and there is a large physicochemical difference between tyrosine and serine.

NM_000317.3(PTS):c.158A>C (p.Tyr53Ser)

Gene: PTS (6-pyruvoyltetrahydropterin synthase; plus strand). Cytogenetic location: 11q23.1.
Variant type: single nucleotide variant.
Coding change: c.158A>C on transcript NM_000317.3 (MANE Select); coding-DNA position 158, A replaced by C.
Protein change: p.Tyr53Ser; replaces tyrosine 53 with serine.
Molecular consequence: missense variant.
Genome position (GRCh38, 1-based): chr11:112,228,668, A>C. VCF-style: chr11-112228668-A-C. GRCh37 (hg19) VCF-style: chr11-112099391-A-C.
Other names: short protein forms Y53S.
Identifiers: ClinVar variation 1508903 (VCV001508903.8), dbSNP rs2135408283, ClinGen allele CA382627124.